The following is an entry in ClinVar:

ClinVar aggregate classification (germline): Conflicting classifications of pathogenicity. Review status: criteria provided, conflicting classifications (1 of 4 stars). 2 submissions from 2 submitters: Uncertain significance (1); Likely benign (1). Last evaluated 2023-03-23.

Conditions:
Hereditary breast ovarian cancer syndrome. Also called: Hereditary breast and ovarian cancer syndrome (HBOC); Hereditary breast and ovarian cancer syndrome; Breast and ovarian cancer; Hereditary breast and/or ovarian cancer syndrome; Hereditary breast and ovarian cancer; BRCA1- and BRCA2-Associated Hereditary Breast and Ovarian Cancer. Identifiers: Orphanet 145, MedGen C0677776, MeSH D061325, MONDO:0003582. Disease mechanism: loss of function.
Hereditary cancer-predisposing syndrome. Also called: Neoplastic Syndromes, Hereditary; Hereditary Cancer Syndrome; Hereditary neoplastic syndrome; Tumor predisposition. Identifiers: Orphanet 140162, MedGen C0027672, MeSH D009386, MONDO:0015356.

Submissions (2):

University of Washington Department of Laboratory Medicine, University of Washington
Classification: Likely benign for Hereditary cancer-predisposing syndrome. Last evaluated: 2023-03-23. Review status: criteria provided, single submitter. Criteria: Dines et al. (Genet Med. 2020). Collection method: curation. Allele origin: germline.
Comment: Missense variant in a coldspot region where missense variants are very unlikely to be pathogenic (PMID:31911673).

BRCA1 coldspot (exon 11 using historical exon numbering). Reclassification based on statistical prior probability

Labcorp Genetics (formerly Invitae), Labcorp
Classification: Uncertain significance for Hereditary breast ovarian cancer syndrome. Last evaluated: 2017-03-16. Review status: criteria provided, single submitter. Criteria: Invitae Variant Classification Sherloc (09022015). Collection method: clinical testing. Allele origin: germline.
Comment: This variant is not present in population databases (ExAC no frequency) and has not been reported in the literature in individuals with a BRCA1-related disease. Algorithms developed to predict the effect of missense changes on protein structure and function (SIFT, PolyPhen-2, Align-GVGD) all suggest that this variant is likely to be tolerated, but these predictions have not been confirmed by published functional studies. This sequence change replaces alanine with glutamic acid at codon 605 of the BRCA1 protein (p.Ala605Glu). The alanine residue is moderately conserved and there is a moderate physicochemical difference between alanine and glutamic acid. In summary, this variant is a novel missense change that is not predicted to affect protein function. There is no indication that it causes disease, but the available evidence is currently insufficient to prove that conclusively. Therefore, it has been classified as a Variant of Uncertain Significance.

NM_007294.4(BRCA1):c.1814C>A (p.Ala605Glu)

Gene: BRCA1 (BRCA1 DNA repair associated; minus strand). Cytogenetic location: 17q21.31.
Variant type: single nucleotide variant.
Coding change: c.1814C>A on transcript NM_007294.4 (MANE Select); coding-DNA position 1814, C replaced by A.
Protein change: p.Ala605Glu; replaces alanine 605 with glutamic acid.
Molecular consequence: missense variant. On other transcripts: intron variant (137).
Genome position (GRCh38, 1-based): chr17:43,093,717, G>T on the plus strand (C>A on the coding strand, the complement: BRCA1 is on the minus strand). VCF-style: chr17-43093717-G-T. GRCh37 (hg19) VCF-style: chr17-41245734-G-T.
Other names: c.1736C>A, p.Ala579Glu (NM_001407656.1, NM_001407657.1, NM_001407658.1 and 4 more transcripts); c.1733C>A, p.Ala578Glu (NM_001407659.1, NM_001407660.1, NM_001407661.1 and 1 more transcripts); c.1691C>A, p.Ala564Glu (NM_001407664.1, NM_001407665.1, NM_001407666.1 and 19 more transcripts); c.1688C>A, p.Ala563Glu (NM_001407670.1, NM_001407671.1, NM_001407672.1 and 11 more transcripts); c.1814C>A, p.Ala605Glu (NM_001407684.1, NM_001407854.1, NM_001407858.1 and 30 more transcripts); c.1673C>A, p.Ala558Glu (NM_001407692.1, NM_001407694.1, NM_001407695.1 and 29 more transcripts); c.1670C>A, p.Ala557Glu (NM_001407740.1, NM_001407741.1, NM_001407742.1 and 20 more transcripts); c.1601C>A, p.Ala534Glu (NM_001407853.1, NM_001407894.1, NM_001407895.1 and 9 more transcripts); and 40 more; short protein forms A605E, A558E, A478E, A516E, A517E, A563E, A564E, A604E.
Identifiers: ClinVar variation 462568 (VCV000462568.12), dbSNP rs1555591195, ClinGen allele CA10598389.